The following is an entry in ClinVar:

NM_006269.2(RP1):c.5810A>G (p.Tyr1937Cys)

Genes: RP1 (RP1 axonemal microtubule associated; plus strand), LOC126860392 (CDK7 strongly-dependent group 2 enhancer GRCh37_chr8:55541319-55542518; plus strand). Cytogenetic location: 8q12.1.
Variant type: single nucleotide variant.
Coding change: c.5810A>G on transcript NM_006269.2 (MANE Select); coding-DNA position 5810, A replaced by G.
Protein change: p.Tyr1937Cys; replaces tyrosine 1937 with cysteine.
Molecular consequence: missense variant. On other transcripts: intron variant (1).
Genome position (GRCh38, 1-based): chr8:54,629,692, A>G. VCF-style: chr8-54629692-A-G. GRCh37 (hg19) VCF-style: chr8-55542252-A-G.
Other names: c.787+7404A>G (NM_001375654.1); short protein forms Y1937C.
Identifiers: ClinVar variation 3621727 (VCV003621727.2).

ClinVar aggregate classification (germline): Uncertain significance (1 of 4 stars; one submission).

gnomAD v4.1: 1 of 1,613,610 alleles (0.000062%); no homozygotes.

Submission:

Labcorp Genetics (formerly Invitae), Labcorp
Classification: Uncertain significance. Last evaluated: 2024-12-18. Review status: criteria provided, single submitter. Criteria: Invitae Variant Classification Sherloc (09022015). Collection method: clinical testing. Allele origin: germline.
Comment: This sequence change replaces tyrosine, which is neutral and polar, with cysteine, which is neutral and slightly polar, at codon 1937 of the RP1 protein (p.Tyr1937Cys). This variant is not present in population databases (gnomAD no frequency). This variant has not been reported in the literature in individuals affected with RP1-related conditions. An algorithm developed to predict the effect of missense changes on protein structure and function (PolyPhen-2) suggests that this variant is likely to be disruptive. In summary, the available evidence is currently insufficient to determine the role of this variant in disease. Therefore, it has been classified as a Variant of Uncertain Significance.